The following is an entry in ClinVar:

ClinVar aggregate classification (germline): Uncertain significance (1 of 4 stars; one submission).

Submission:

Ambry Genetics
Classification: Uncertain significance. Last evaluated: 2024-07-29. Review status: criteria provided, single submitter. Criteria: Ambry Variant Classification Scheme 2023. Collection method: clinical testing. Allele origin: germline.
Comment: The p.K217R variant (also known as c.650A>G), located in coding exon 4 of the IDH1 gene, results from an A to G substitution at nucleotide position 650. The lysine at codon 217 is replaced by arginine, an amino acid with highly similar properties. This amino acid position is conserved. In addition, this alteration is predicted to be deleterious by in silico analysis. Since supporting evidence is limited at this time, the clinical significance of this alteration remains unclear.

NM_005896.4(IDH1):c.650A>G (p.Lys217Arg)

Gene: IDH1 (isocitrate dehydrogenase (NADP(+)) 1; minus strand). Cytogenetic location: 2q34.
Variant type: single nucleotide variant.
Coding change: c.650A>G on transcript NM_005896.4 (MANE Select); coding-DNA position 650, A replaced by G.
Protein change: p.Lys217Arg; replaces lysine 217 with arginine.
Molecular consequence: missense variant.
Genome position (GRCh38, 1-based): chr2:208,243,475, T>C on the plus strand (A>G on the coding strand, the complement: IDH1 is on the minus strand). VCF-style: chr2-208243475-T-C. GRCh37 (hg19) VCF-style: chr2-209108199-T-C.
Other names: c.650A>G, p.Lys217Arg (NM_001282386.1, NM_001282387.1); short protein forms K217R.
Identifiers: ClinVar variation 1753950 (VCV001753950.3), dbSNP rs1203067725, ClinGen allele CA350098970.